The following is an entry in ClinVar:

NM_033118.4(MYLK2):c.962C>T (p.Pro321Leu)

Gene: MYLK2 (myosin light chain kinase 2; plus strand). Cytogenetic location: 20q11.21.
Variant type: single nucleotide variant.
Coding change: c.962C>T on transcript NM_033118.4 (MANE Select); coding-DNA position 962, C replaced by T.
Protein change: p.Pro321Leu; replaces proline 321 with leucine.
Molecular consequence: missense variant.
Genome position (GRCh38, 1-based): chr20:31,824,342, C>T. VCF-style: chr20-31824342-C-T. GRCh37 (hg19) VCF-style: chr20-30412145-C-T.
Other names: short protein forms P321L.
Identifiers: ClinVar variation 3401149 (VCV003401149.1).

ClinVar aggregate classification (germline): Uncertain significance (1 of 4 stars; one submission).

Submission:

Ambry Genetics
Classification: Uncertain significance. Last evaluated: 2024-07-17. Review status: criteria provided, single submitter. Criteria: Ambry Variant Classification Scheme 2023. Collection method: clinical testing. Allele origin: germline.
Comment: The p.P321L variant (also known as c.962C>T), located in coding exon 5 of the MYLK2 gene, results from a C to T substitution at nucleotide position 962. The proline at codon 321 is replaced by leucine, an amino acid with similar properties. This amino acid position is conserved. In addition, this alteration is predicted to be tolerated by in silico analysis. Based on the available evidence, the clinical significance of this variant remains unclear.